The following is an entry in ClinVar:

NM_001282531.3(ADNP):c.638C>T (p.Ser213Leu)

Gene: ADNP (activity dependent neuroprotector homeobox; minus strand). Cytogenetic location: 20q13.13.
Variant type: single nucleotide variant.
Coding change: c.638C>T on transcript NM_001282531.3 (MANE Select); coding-DNA position 638, C replaced by T.
Protein change: p.Ser213Leu; replaces serine 213 with leucine.
Molecular consequence: missense variant.
Genome position (GRCh38, 1-based): chr20:50,894,076, G>A on the plus strand (C>T on the coding strand, the complement: ADNP is on the minus strand). VCF-style: chr20-50894076-G-A. GRCh37 (hg19) VCF-style: chr20-49510613-G-A.
Other names: c.638C>T, p.Ser213Leu (NM_001282532.2, NM_001347511.2, NM_015339.5 and 1 more transcripts); short protein forms S213L.
Identifiers: ClinVar variation 1027973 (VCV001027973.5), dbSNP rs1981126911, ClinGen allele CA408976992.

ClinVar aggregate classification (germline): Uncertain significance. Review status: criteria provided, multiple submitters, no conflicts (2 of 4 stars). 2 submissions from 2 submitters: Uncertain significance (2). Last evaluated 2022-09-13.

Conditions:
ADNP-related multiple congenital anomalies - intellectual disability - autism spectrum disorder. Also called: ADNP-Related Helsmoortel-Van der Aa Syndrome; Helsmoortel-Van der Aa Syndrome. Identifiers: Orphanet 404448, MedGen C4014538, MONDO:0014379, OMIM 615873. Disease mechanism: loss of function.

Allele frequency attached by ClinVar (database versions not stated): gnomAD exomes below 0.00001; TOPMed below 0.00001.
gnomAD v4.1: 7 of 1,614,144 alleles (0.00043%); highest among the groups gnomAD compares: South Asian, 0.0011%; no homozygotes.

Submissions (2):

Labcorp Genetics (formerly Invitae), Labcorp
Classification: Uncertain significance. Last evaluated: 2022-09-13. Review status: criteria provided, single submitter. Criteria: Invitae Variant Classification Sherloc (09022015). Collection method: clinical testing. Allele origin: germline.
Comment: This sequence change replaces serine, which is neutral and polar, with leucine, which is neutral and non-polar, at codon 213 of the ADNP protein (p.Ser213Leu). This variant is not present in population databases (gnomAD no frequency). This variant has not been reported in the literature in individuals affected with ADNP-related conditions. ClinVar contains an entry for this variant (Variation ID: 1027973). Algorithms developed to predict the effect of missense changes on protein structure and function are either unavailable or do not agree on the potential impact of this missense change (SIFT: "Not Available"; PolyPhen-2: "Benign"; Align-GVGD: "Not Available"). In summary, the available evidence is currently insufficient to determine the role of this variant in disease. Therefore, it has been classified as a Variant of Uncertain Significance.

Baylor Genetics
Classification: Uncertain significance for ADNP-related multiple congenital anomalies - intellectual disability - autism spectrum disorder. Last evaluated: 2019-08-22. Review status: criteria provided, single submitter. Criteria: ACMG Guidelines, 2015. Collection method: clinical testing. Allele origin: unknown. Affected: yes.
Comment: This variant was determined to be of uncertain significance according to ACMG Guidelines, 2015 [PMID:25741868].